The following is an entry in ClinVar:

ClinVar aggregate classification (germline): Uncertain significance (1 of 4 stars; one submission).

Conditions:
Hypertrophic cardiomyopathy. Also called: HYPERTROPHIC MYOCARDIOPATHY. Identifiers: Orphanet 217569, MedGen C0007194, MeSH D002312, MONDO:0005045, HP:0001639.

Submission:

Labcorp Genetics (formerly Invitae), Labcorp
Classification: Uncertain significance for Hypertrophic cardiomyopathy. Last evaluated: 2024-02-03. Review status: criteria provided, single submitter. Criteria: Invitae Variant Classification Sherloc (09022015). Collection method: clinical testing. Allele origin: germline.
Comment: This sequence change replaces lysine, which is basic and polar, with glutamine, which is neutral and polar, at codon 1859 of the MYH7 protein (p.Lys1859Gln). This variant is not present in population databases (gnomAD no frequency). This variant has not been reported in the literature in individuals affected with MYH7-related conditions. Advanced modeling of protein sequence and biophysical properties (such as structural, functional, and spatial information, amino acid conservation, physicochemical variation, residue mobility, and thermodynamic stability) performed at Invitae indicates that this missense variant is expected to disrupt MYH7 protein function with a positive predictive value of 95%. In summary, the available evidence is currently insufficient to determine the role of this variant in disease. Therefore, it has been classified as a Variant of Uncertain Significance.

NM_000257.4(MYH7):c.5575A>C (p.Lys1859Gln)

Gene: MYH7 (myosin heavy chain 7; minus strand). Cytogenetic location: 14q11.2.
Variant type: single nucleotide variant.
Coding change: c.5575A>C on transcript NM_000257.4 (MANE Select); coding-DNA position 5575, A replaced by C.
Protein change: p.Lys1859Gln; replaces lysine 1859 with glutamine.
Molecular consequence: missense variant.
Genome position (GRCh38, 1-based): chr14:23,414,087, T>G on the plus strand (A>C on the coding strand, the complement: MYH7 is on the minus strand). VCF-style: chr14-23414087-T-G. GRCh37 (hg19) VCF-style: chr14-23883296-T-G.
Other names: c.5575A>C, p.Lys1859Gln (NM_001407004.1); short protein forms K1859Q.
Identifiers: ClinVar variation 3634273 (VCV003634273.2).